The following is an entry in ClinVar:

ClinVar aggregate classification (germline): Likely benign (0 of 4 stars; one submission).

Conditions:
SP8-related disorder. Also called: SP8-related condition.

Submission:

PreventionGenetics, part of Exact Sciences
Classification: Likely benign for SP8-related condition. Last evaluated: 2020-11-24. Review status: no assertion criteria provided. Collection method: clinical testing. Allele origin: germline.
Comment: This variant is classified as likely benign based on ACMG/AMP sequence variant interpretation guidelines (Richards et al. 2015 PMID: 25741868, with internal and published modifications).

NM_182700.6(SP8):c.480G>C (p.Gly160=)

Gene: SP8 (Sp8 transcription factor; minus strand). Cytogenetic location: 7p21.1.
Variant type: single nucleotide variant.
Coding change: c.480G>C on transcript NM_182700.6 (MANE Select); coding-DNA position 480, G replaced by C.
Protein change: p.Gly160=; no amino-acid change (glycine 160 retained).
Molecular consequence: synonymous variant.
Genome position (GRCh38, 1-based): chr7:20,785,337, C>G on the plus strand (G>C on the coding strand, the complement: SP8 is on the minus strand). VCF-style: chr7-20785337-C-G. GRCh37 (hg19) VCF-style: chr7-20824956-C-G.
Other names: c.426G>C, p.Gly142= (NM_198956.4).
Identifiers: ClinVar variation 3041753 (VCV003041753.2), dbSNP rs201180283, ClinGen allele CA155011395.
Genomic context (GRCh38, chr7:20,785,337, plus strand): 5'-GATGAACACCGGCTGGTGGGAGCCGTCCTGCGAGTGCGCGGAGGAGCCGCCGCCGCCGCC[C>G]CCGCCGCCGCCGCCGCTGCCCCCGGAAACTCCGGGGGCCTGGAAAACAGAGTAGTCGTTG-3'
Protein context (NP_874359.2, residues 150-170): GVSGGSGGGG[Gly160=]GGGGGSSAHS